The following is an entry in ClinVar:

NM_177438.3(DICER1):c.1898A>T (p.His633Leu)

Gene: DICER1 (dicer 1, ribonuclease III; minus strand). Cytogenetic location: 14q32.13.
Variant type: single nucleotide variant.
Coding change: c.1898A>T on transcript NM_177438.3 (MANE Select); coding-DNA position 1898, A replaced by T.
Protein change: p.His633Leu; replaces histidine 633 with leucine.
Molecular consequence: missense variant. On other transcripts: non-coding transcript variant (6).
Genome position (GRCh38, 1-based): chr14:95,115,676, T>A on the plus strand (A>T on the coding strand, the complement: DICER1 is on the minus strand). VCF-style: chr14-95115676-T-A. GRCh37 (hg19) VCF-style: chr14-95582013-T-A.
Other names: c.1898A>T, p.His633Leu (NM_001195573.1, NM_001271282.3, NM_001291628.2 and 13 more transcripts); c.1616A>T, p.His539Leu (NM_001395686.1); c.1493A>T, p.His498Leu (NM_001395687.1, NM_001395688.1, NM_001395689.1 and 3 more transcripts); c.1331A>T, p.His444Leu (NM_001395691.1); c.215A>T, p.His72Leu (NM_001395697.1); short protein forms H539L, H444L, H72L, H498L, H633L.
Identifiers: ClinVar variation 2191918 (VCV002191918.6), dbSNP rs763129150, ClinGen allele CA7331376.

ClinVar aggregate classification (germline): Uncertain significance. Review status: criteria provided, multiple submitters, no conflicts (2 of 4 stars). 3 submissions from 3 submitters: Uncertain significance (3). Last evaluated 2025-06-01.

Conditions:
Hereditary cancer-predisposing syndrome. Also called: Neoplastic Syndromes, Hereditary; Hereditary Cancer Syndrome; Tumor predisposition; Hereditary neoplastic syndrome. Identifiers: Orphanet 140162, MedGen C0027672, MeSH D009386, MONDO:0015356.
DICER1-related tumor predisposition. Also called: DICER1-related pleuropulmonary blastoma cancer predisposition syndrome; DICER1 syndrome. Identifiers: Orphanet 284343, MedGen C3839822, MONDO:0100216.

Allele frequency attached by ClinVar (database versions not stated): ExAC 0.00001; gnomAD exomes 0.00001.
gnomAD v4.1: 4 of 1,614,194 alleles (0.00025%); highest among the groups gnomAD compares: Admixed American, 0.0067%; no homozygotes.

Submissions (3):

Labcorp Genetics (formerly Invitae), Labcorp
Classification: Uncertain significance for DICER1-related tumor predisposition. Last evaluated: 2025-06-01. Review status: criteria provided, single submitter. Criteria: Invitae Variant Classification Sherloc (09022015). Collection method: clinical testing. Allele origin: germline.
Comment: This sequence change replaces histidine, which is basic and polar, with leucine, which is neutral and non-polar, at codon 633 of the DICER1 protein (p.His633Leu). This variant is present in population databases (rs763129150, gnomAD 0.009%). This variant has not been reported in the literature in individuals affected with DICER1-related conditions. ClinVar contains an entry for this variant (Variation ID: 2191918). Invitae Evidence Modeling of protein sequence and biophysical properties (such as structural, functional, and spatial information, amino acid conservation, physicochemical variation, residue mobility, and thermodynamic stability) indicates that this missense variant is not expected to disrupt DICER1 protein function with a negative predictive value of 95%. In summary, the available evidence is currently insufficient to determine the role of this variant in disease. Therefore, it has been classified as a Variant of Uncertain Significance.

Ambry Genetics
Classification: Uncertain significance for Hereditary cancer-predisposing syndrome. Last evaluated: 2023-12-10. Review status: criteria provided, single submitter. Criteria: Ambry Variant Classification Scheme 2023. Collection method: clinical testing. Allele origin: germline.
Comment: The p.H633L variant (also known as c.1898A>T), located in coding exon 10 of the DICER1 gene, results from an A to T substitution at nucleotide position 1898. The histidine at codon 633 is replaced by leucine, an amino acid with similar properties. This amino acid position is conserved. In addition, the in silico prediction for this alteration is inconclusive. Since supporting evidence is limited at this time, the clinical significance of this alteration remains unclear.

Blueprint Genetics
Classification: Uncertain significance. Last evaluated: 2022-11-28. Review status: criteria provided, single submitter. Criteria: ACMG Guidelines, 2015. Collection method: clinical testing. Allele origin: germline.